The following is an entry in ClinVar:

ClinVar aggregate classification (germline): Pathogenic (1 of 4 stars; one submission).

Conditions:
Lynch syndrome 5 (LYNCH5). Also called: Colorectal cancer, hereditary nonpolyposis, type 5; Hereditary non-polyposis colorectal cancer, type 5. Identifiers: Orphanet 144, MedGen C1833477, MONDO:0013710, OMIM 614350. Disease mechanism: loss of function.

Submission:

Myriad Genetics, Inc.
Classification: Pathogenic for Lynch syndrome 5. Last evaluated: 2023-08-25. Review status: criteria provided, single submitter. Criteria: Myriad Autosomal Dominant, Autosomal Recessive and X-Linked Classification Criteria (2023). Collection method: clinical testing. Allele origin: unknown.
Comment: This variant is considered pathogenic. This variant creates a frameshift predicted to result in premature protein truncation.

NM_000179.3(MSH6):c.3848_3851del (p.Ile1283fs)

Gene: MSH6 (mutS homolog 6; plus strand). Cytogenetic location: 2p16.3.
Variant type: Deletion.
Coding change: c.3848_3851del on transcript NM_000179.3 (MANE Select); coding-DNA positions 3848 to 3851, 4 bases deleted (TTAC; older notation c.3848_3851delTTAC).
Protein change: p.Ile1283fs; shifts the reading frame from isoleucine 1283.
Molecular consequence: frameshift variant. On other transcripts: non-coding transcript variant (5), intron variant (1).
Genome position (GRCh38, 1-based): chr2:47,806,498-47,806,501, TTAC deleted. VCF-style (leftmost placement, unchanged base first): chr2-47806497-ATTAC-A. GRCh37 (hg19) VCF-style: chr2-48033636-ATTAC-A.
Other names: c.3458_3461del, p.Ile1153fs (NM_001281492.2); c.2942_2945del, p.Ile981fs (NM_001281493.2, NM_001281494.2, NM_001406811.1 and 6 more transcripts); c.3944_3947del, p.Ile1315fs (NM_001406795.1); c.3848_3851del, p.Ile1283fs (NM_001406796.1, NM_001406808.1, NM_001406809.1); c.3551_3554del, p.Ile1184fs (NM_001406797.1, NM_001406801.1, NM_001406805.1 and 10 more transcripts); c.3674_3677del, p.Ile1225fs (NM_001406798.1); c.3323_3326del, p.Ile1108fs (NM_001406799.1, NM_001406806.1, NM_001406807.1); c.3835_3838del, p.Leu1279fs (NM_001406800.1); and 9 more; short protein forms I1108fs, I1153fs, I1184fs, I1225fs, I1227fs, I1257fs, I1283fs, I1285fs.
Identifiers: ClinVar variation 2673691 (VCV002673691.1), dbSNP rs2530860274, ClinGen allele CA2695200632.